The following is an entry in ClinVar:

NM_015021.3(ZNF292):c.6920A>T (p.Asn2307Ile)

Gene: ZNF292 (zinc finger protein 292; plus strand). Cytogenetic location: 6q14.3.
Variant type: single nucleotide variant.
Coding change: c.6920A>T on transcript NM_015021.3 (MANE Select); coding-DNA position 6920, A replaced by T.
Protein change: p.Asn2307Ile; replaces asparagine 2307 with isoleucine.
Molecular consequence: missense variant.
Genome position (GRCh38, 1-based): chr6:87,260,549, A>T. VCF-style: chr6-87260549-A-T. GRCh37 (hg19) VCF-style: chr6-87970267-A-T.
Other names: c.6500A>T, p.Asn2167Ile (NM_001351444.2); short protein forms N2167I, N2307I.
Identifiers: ClinVar variation 4528165 (VCV004528165.1).

ClinVar aggregate classification (germline): Uncertain significance (1 of 4 stars; one submission).

Submission:

GeneDx
Classification: Uncertain significance. Last evaluated: 2025-05-06. Review status: criteria provided, single submitter. Criteria: GeneDx Variant Classification Process June 2021. Collection method: clinical testing. Allele origin: germline. Affected: yes.
Comment: Not observed at significant frequency in large population cohorts (gnomAD); In silico analysis supports that this missense variant has a deleterious effect on protein structure/function; Has not been previously published as pathogenic or benign to our knowledge